The following is an entry in ClinVar:

ClinVar aggregate classification (germline): Conflicting classifications of pathogenicity. Review status: criteria provided, conflicting classifications (1 of 4 stars). 2 submissions from 2 submitters: Likely pathogenic (1); Uncertain significance (1). Last evaluated 2024-04-19.

Conditions:
Familial juvenile hyperuricemic nephropathy type 1 (ADTKD1). Also called: UMOD-Associated Kidney Disease; Uromodulin-associated kidney disease; Glomerulocystic kidney disease with hyperuricemia and isosthenuria; Medullary cystic kidney disease 2; Autosomal Dominant Tubulointerstitial Kidney Disease – UMOD. Identifiers: Orphanet 209886, Orphanet 34149, Orphanet 88950, MedGen C4551496, MONDO:0008073, OMIM 162000.

gnomAD v4.1: 1 of 1,552,774 alleles (0.000064%); highest among the groups gnomAD compares: Non-Finnish European, 0.000087%; no homozygotes.

Submissions (2):

Fulgent Genetics
Classification: Likely pathogenic for Familial juvenile hyperuricemic nephropathy type 1. Last evaluated: 2024-04-19. Review status: criteria provided, single submitter. Criteria: ACMG Guidelines, 2015. Collection method: clinical testing. Allele origin: germline.

GeneDx
Classification: Uncertain significance. Last evaluated: 2023-05-14. Review status: criteria provided, single submitter. Criteria: GeneDx Variant Classification Process June 2021. Collection method: clinical testing. Allele origin: germline. Affected: yes.
Comment: Not observed at significant frequency in large population cohorts (gnomAD); In silico analysis supports that this missense variant has a deleterious effect on protein structure/function; Has not been previously published as pathogenic or benign to our knowledge

NM_003361.4(UMOD):c.611G>A (p.Arg204His)

Gene: UMOD (uromodulin; minus strand). Cytogenetic location: 16p12.3.
Variant type: single nucleotide variant.
Coding change: c.611G>A on transcript NM_003361.4 (MANE Select); coding-DNA position 611, G replaced by A.
Protein change: p.Arg204His; replaces arginine 204 with histidine.
Molecular consequence: missense variant. On other transcripts: non-coding transcript variant (1).
Genome position (GRCh38, 1-based): chr16:20,348,690, C>T on the plus strand (G>A on the coding strand, the complement: UMOD is on the minus strand). VCF-style: chr16-20348690-C-T. GRCh37 (hg19) VCF-style: chr16-20360012-C-T.
Other names: c.611G>A, p.Arg204His (NM_001008389.3, NM_001378232.1, NM_001378233.1 and 3 more transcripts); c.710G>A, p.Arg237His (NM_001278614.2); short protein forms R204H, R237H.
Identifiers: ClinVar variation 3343366 (VCV003343366.2).
Genomic context (GRCh38, chr16:20,348,690, plus strand): 5'-TTGCAGCGCAGGACTGGCACGCAGGTCTCGGCCATGCGCGCACCGCCCTGGCCCACGAAG[C>T]GGTACCAGCCGCGCAGGTCCGTGTCGCAGGCGTAGCCCTCCCCGTACTCGGTGCTGCGCC-3'
Protein context (NP_003352.2, residues 194-214): ACDTDLRGWY[Arg204His]FVGQGGARMA